The following is an entry in ClinVar:

ClinVar aggregate classification (germline): Conflicting classifications of pathogenicity. Review status: criteria provided, conflicting classifications (1 of 4 stars). 3 submissions from 3 submitters: Uncertain significance (2); Likely benign (1). Last evaluated 2026-08-08.

Conditions:
Cardiovascular phenotype. Identifiers: MedGen CN230736.
Telangiectasia, hereditary hemorrhagic, type 5 (HHT5). Identifiers: Orphanet 774, MedGen C3809710, MONDO:0014217, OMIM 615506.

Allele frequency attached by ClinVar (database versions not stated): TOPMed 0.00009; ExAC 0.00001; gnomAD 0.00004; gnomAD exomes 0.00001.

Submissions (3):

Ambry Genetics
Classification: Likely benign for Cardiovascular phenotype. Last evaluated: 2026-08-08. Review status: criteria provided, single submitter. Criteria: Ambry Variant Classification Scheme 2023. Collection method: clinical testing. Allele origin: germline.

Labcorp Genetics (formerly Invitae), Labcorp
Classification: Uncertain significance for Telangiectasia, hereditary hemorrhagic, type 5. Last evaluated: 2025-10-21. Review status: criteria provided, single submitter. Criteria: Invitae Variant Classification Sherloc (09022015). Collection method: clinical testing. Allele origin: germline.
Comment: This sequence change replaces glutamic acid, which is acidic and polar, with aspartic acid, which is acidic and polar, at codon 267 of the GDF2 protein (p.Glu267Asp). This variant is present in population databases (rs782573337, gnomAD 0.006%). This variant has not been reported in the literature in individuals affected with GDF2-related conditions. ClinVar contains an entry for this variant (Variation ID: 1684767). An algorithm developed to predict the effect of missense changes on protein structure and function (PolyPhen-2) suggests that this variant is likely to be disruptive. In summary, the available evidence is currently insufficient to determine the role of this variant in disease. Therefore, it has been classified as a Variant of Uncertain Significance.

Mendelics
Classification: Uncertain significance. Last evaluated: 2022-05-04. Review status: criteria provided, single submitter. Criteria: Mendelics Assertion Criteria 2019. Collection method: clinical testing. Allele origin: germline.

NM_016204.4(GDF2):c.801G>T (p.Glu267Asp)

Gene: GDF2 (growth differentiation factor 2; plus strand). Cytogenetic location: 10q11.22.
Variant type: single nucleotide variant.
Coding change: c.801G>T on transcript NM_016204.4 (MANE Select); coding-DNA position 801, G replaced by T.
Protein change: p.Glu267Asp; replaces glutamic acid 267 with aspartic acid.
Molecular consequence: missense variant.
Genome position (GRCh38, 1-based): chr10:47,325,295, G>T. VCF-style: chr10-47325295-G-T. GRCh37 (hg19) VCF-style: chr10-48414067-C-A.
Other names: c.801G>T (NM_016204.1); short protein forms E267D.
Identifiers: ClinVar variation 1684767 (VCV001684767.4), dbSNP rs782573337, ClinGen allele CA5488019.